The following is an entry in ClinVar:

NM_001110556.2(FLNA):c.3943G>C (p.Gly1315Arg)

Gene: FLNA (filamin A; minus strand). Cytogenetic location: Xq28.
Variant type: single nucleotide variant.
Coding change: c.3943G>C on transcript NM_001110556.2 (MANE Select); coding-DNA position 3943, G replaced by C.
Protein change: p.Gly1315Arg; replaces glycine 1315 with arginine.
Molecular consequence: missense variant.
Genome position (GRCh38, 1-based): chrX:154,359,768, C>G on the plus strand (G>C on the coding strand, the complement: FLNA is on the minus strand). VCF-style: chrX-154359768-C-G. GRCh37 (hg19) VCF-style: chrX-153588136-C-G.
Other names: c.3943G>C, p.Gly1315Arg (NM_001456.4); short protein forms G1315R.
Identifiers: ClinVar variation 1218003 (VCV001218003.4), dbSNP rs2148111682, ClinGen allele CA415221551.
Genomic context (GRCh38, chrX:154,359,768, plus strand): 5'-CCTGTGGGAGTCCCCAGCACGCACCCTCCTCGTAAGGCGTGTACTCCACTTTGTACATGC[C>G]ATCGCCACGGTCCTGAACGTAGGTCTCCGTCAGGTTGCCTGAGGGGTTGGCCACACGGGC-3'
Protein context (NP_001104026.1, residues 1305-1325): TETYVQDRGD[Gly1315Arg]MYKVEYTPYE

ClinVar aggregate classification (germline): Uncertain significance (1 of 4 stars; one submission).

gnomAD v4.1: 1 of 1,210,996 alleles (0.000083%); highest among the groups gnomAD compares: Non-Finnish European, 0.00011%; no homozygotes.

Submission:

GeneDx
Classification: Uncertain significance. Last evaluated: 2025-05-14. Review status: criteria provided, single submitter. Criteria: GeneDx Variant Classification Process June 2021. Collection method: clinical testing. Allele origin: germline. Affected: yes.
Comment: Not observed at significant frequency in large population cohorts (gnomAD); In silico analysis supports that this missense variant has a deleterious effect on protein structure/function; Has not been previously published as pathogenic or benign to our knowledge